The following is an entry in ClinVar:

ClinVar aggregate classification (germline): Uncertain significance. Review status: criteria provided, multiple submitters, no conflicts (2 of 4 stars). 2 submissions from 2 submitters: Uncertain significance (2). Last evaluated 2024-04-30.

Conditions:
Intestinal hypomagnesemia 1. Also called: HYPOMAGNESEMIA, INTESTINAL, WITH SECONDARY HYPOCALCEMIA; HYPOMAGNESEMIC TETANY. Identifiers: Orphanet 30924, MedGen C1865974, MONDO:0011176, OMIM 602014.

Allele frequency attached by ClinVar (database versions not stated): ExAC 0.00004; ESP Exome Variant Server 0.00008; 1000 Genomes Project 30x 0.00016; 1000 Genomes Project 0.00020.
gnomAD v4.1: 34 of 1,614,204 alleles (0.0021%); highest among the groups gnomAD compares: African/African-American, 0.017%; no homozygotes.

Submissions (2):

Labcorp Genetics (formerly Invitae), Labcorp
Classification: Uncertain significance. Last evaluated: 2024-04-30. Review status: criteria provided, single submitter. Criteria: Invitae Variant Classification Sherloc (09022015). Collection method: clinical testing. Allele origin: germline.
Comment: This sequence change replaces arginine, which is basic and polar, with tryptophan, which is neutral and slightly polar, at codon 952 of the TRPM6 protein (p.Arg952Trp). This variant is present in population databases (rs139586014, gnomAD 0.03%). This variant has not been reported in the literature in individuals affected with TRPM6-related conditions. ClinVar contains an entry for this variant (Variation ID: 2079342). Advanced modeling of protein sequence and biophysical properties (such as structural, functional, and spatial information, amino acid conservation, physicochemical variation, residue mobility, and thermodynamic stability) performed at Invitae indicates that this missense variant is expected to disrupt TRPM6 protein function with a positive predictive value of 80%. In summary, the available evidence is currently insufficient to determine the role of this variant in disease. Therefore, it has been classified as a Variant of Uncertain Significance.

Fulgent Genetics
Classification: Uncertain significance for Intestinal hypomagnesemia 1. Last evaluated: 2024-02-09. Review status: criteria provided, single submitter. Criteria: ACMG Guidelines, 2015. Collection method: clinical testing. Allele origin: germline.

NM_017662.5(TRPM6):c.2854C>T (p.Arg952Trp)

Gene: TRPM6 (transient receptor potential cation channel subfamily M member 6; minus strand). Cytogenetic location: 9q21.13.
Variant type: single nucleotide variant.
Coding change: c.2854C>T on transcript NM_017662.5 (MANE Select); coding-DNA position 2854, C replaced by T.
Protein change: p.Arg952Trp; replaces arginine 952 with tryptophan.
Molecular consequence: missense variant.
Genome position (GRCh38, 1-based): chr9:74,785,939, G>A on the plus strand (C>T on the coding strand, the complement: TRPM6 is on the minus strand). VCF-style: chr9-74785939-G-A. GRCh37 (hg19) VCF-style: chr9-77400855-G-A.
Other names: c.2839C>T, p.Arg947Trp (NM_001177310.2, NM_001177311.2); short protein forms R947W, R952W.
Identifiers: ClinVar variation 2079342 (VCV002079342.5), dbSNP rs139586014, ClinGen allele CA5084434.